The following is an entry in ClinVar:

NM_001130438.3(SPTAN1):c.3627+164C>T

Gene: SPTAN1 (spectrin alpha, non-erythrocytic 1; plus strand). Cytogenetic location: 9q34.11.
Variant type: single nucleotide variant.
Coding change: c.3627+164C>T on transcript NM_001130438.3 (MANE Select); 164 bases into the intron after coding-DNA position 3627, C replaced by T.
Molecular consequence: intron variant.
Genome position (GRCh38, 1-based): chr9:128,603,754, C>T. VCF-style: chr9-128603754-C-T. GRCh37 (hg19) VCF-style: chr9-131366033-C-T.
Other names: c.3627+164C>T (NM_001363759.2, NM_003127.4); c.3567+164C>T (NM_001363765.2, NM_001195532.2).
Identifiers: ClinVar variation 677708 (VCV000677708.1), dbSNP rs115221736, ClinGen allele CA13108965.

ClinVar aggregate classification (germline): Likely benign (1 of 4 stars; one submission).

Allele frequency attached by ClinVar (database versions not stated): 1000 Genomes Project 0.00260; 1000 Genomes Project 30x 0.00281; gnomAD 0.00343 and 0.00369; TOPMed 0.00398.
gnomAD v4.1: 516 of 152,322 alleles (0.34%); highest among the groups gnomAD compares: African/African-American, 1.2%; 2 homozygotes.

Submission:

GeneDx
Classification: Likely benign. Last evaluated: 2018-06-19. Review status: criteria provided, single submitter. Criteria: GeneDx Variant Classification (06012015). Collection method: clinical testing. Allele origin: germline. Affected: yes.
Comment: This variant is considered likely benign or benign based on one or more of the following criteria: it is a conservative change, it occurs at a poorly conserved position in the protein, it is predicted to be benign by multiple in silico algorithms, and/or has population frequency not consistent with disease.